The following is an entry in ClinVar:

ClinVar aggregate classification (germline): Uncertain significance. Review status: criteria provided, multiple submitters, no conflicts (2 of 4 stars). 8 submissions from 8 submitters: Uncertain significance (8). Last evaluated 2025-12-15.

Conditions:
Visceral myopathy 2. Identifiers: MedGen C5543466, MONDO:0859157, OMIM 619350.
Megacystis-microcolon-intestinal hypoperistalsis syndrome 2. Identifiers: MedGen C5543476, MONDO:0025708, OMIM 619351.
Aortic aneurysm, familial thoracic 4 (AAT4). Also called: AORTIC ANEURYSM/AORTIC DISSECTION AND PATENT DUCTUS ARTERIOSUS. Identifiers: MedGen C1851504, MONDO:0007568, OMIM 132900.
Familial thoracic aortic aneurysm and aortic dissection (TAAD). Also called: Thoracic aortic aneurysms and dissections. Identifiers: Orphanet 91387, MedGen C4707243, MONDO:0019625.

Allele frequency attached by ClinVar (database versions not stated): ExAC 0.00002; gnomAD 0.00002 and 0.00003; gnomAD exomes 0.00002; TOPMed 0.00003.
gnomAD v4.1: 33 of 1,614,138 alleles (0.002%); highest among the groups gnomAD compares: Admixed American, 0.005%; no homozygotes.

Submissions (8):

Labcorp Genetics (formerly Invitae), Labcorp
Classification: Uncertain significance for Aortic aneurysm, familial thoracic 4. Last evaluated: 2025-12-15. Review status: criteria provided, single submitter. Criteria: Invitae Variant Classification Sherloc (09022015). Collection method: clinical testing. Allele origin: germline.
Comment: This sequence change replaces threonine, which is neutral and polar, with methionine, which is neutral and non-polar, at codon 674 of the MYH11 protein (p.Thr674Met). This variant is present in population databases (rs750066715, gnomAD 0.009%). This variant has not been reported in the literature in individuals affected with MYH11-related conditions. ClinVar contains an entry for this variant (Variation ID: 263472). Invitae Evidence Modeling of protein sequence and biophysical properties (such as structural, functional, and spatial information, amino acid conservation, physicochemical variation, residue mobility, and thermodynamic stability) indicates that this missense variant is not expected to disrupt MYH11 protein function with a negative predictive value of 95%. In summary, the available evidence is currently insufficient to determine the role of this variant in disease. Therefore, it has been classified as a Variant of Uncertain Significance.

GeneDx
Classification: Uncertain significance. Last evaluated: 2025-05-23. Review status: criteria provided, single submitter. Criteria: GeneDx Variant Classification Process June 2021. Collection method: clinical testing. Allele origin: germline. Affected: yes.
Comment: In silico analysis supports that this missense variant has a deleterious effect on protein structure/function; Has not been previously published as pathogenic or benign to our knowledge

Color Diagnostics, LLC DBA Color Health
Classification: Uncertain significance for Familial thoracic aortic aneurysm and aortic dissection. Last evaluated: 2024-03-06. Review status: criteria provided, single submitter. Criteria: ACMG Guidelines, 2015. Collection method: clinical testing. Allele origin: germline.
Comment: This missense variant replaces threonine with methionine at codon 674 of the MYH11 protein. Computational prediction suggests that this variant may have deleterious impact on protein structure and function (internally defined REVEL score threshold >= 0.7, PMID: 27666373). To our knowledge, functional studies have not been reported for this variant. This variant has not been reported in individuals affected with MYH11-related disorders in the literature. This variant has been identified in 7/282764 chromosomes in the general population by the Genome Aggregation Database (gnomAD). The available evidence is insufficient to determine the role of this variant in disease conclusively. Therefore, this variant is classified as a Variant of Uncertain Significance.

All of Us Research Program, National Institutes of Health
Classification: Uncertain significance for Familial thoracic aortic aneurysm and aortic dissection. Last evaluated: 2024-02-05. Review status: criteria provided, single submitter. Criteria: ACMG Guidelines, 2015. Collection method: clinical testing. Allele origin: germline. Inheritance: Autosomal dominant inheritance. Observed: 5 variant alleles, 5 heterozygotes.
Comment: This missense variant replaces threonine with methionine at codon 674 of the MYH11 protein. Computational prediction suggests that this variant may have deleterious impact on protein structure and function (internally defined REVEL score threshold >= 0.7, PMID: 27666373). To our knowledge, functional studies have not been reported for this variant. This variant has not been reported in individuals affected with cardiovascular disorders in the literature. This variant has been identified in 7/282764 chromosomes in the general population by the Genome Aggregation Database (gnomAD). The available evidence is insufficient to determine the role of this variant in disease conclusively. Therefore, this variant is classified as a Variant of Uncertain Significance.

This study involves interpretation of variants in research participants for the purpose of population health screening. Participant phenotype was not available at the time of variant classification. Additional details can be found in publication PMID: 35346344, PMCID: PMC8962531

Mayo Clinic Laboratories, Mayo Clinic
Classification: Uncertain significance. Last evaluated: 2023-11-07. Review status: criteria provided, single submitter. Criteria: ACMG Guidelines, 2015. Collection method: clinical testing. Allele origin: germline. Observed: 1 variant allele.
Comment: PP3

CeGaT Center for Human Genetics Tuebingen
Classification: Uncertain significance. Last evaluated: 2022-08-01. Review status: criteria provided, single submitter. Criteria: CeGaT Center For Human Genetics Tuebingen Variant Classification Criteria Version 2. Collection method: clinical testing. Allele origin: germline. Affected: yes. Observed: 1 variant allele.

Department of Pathology and Laboratory Medicine, Sinai Health System
Classification: Uncertain significance for Aortic aneurysm, familial thoracic 4; Visceral myopathy 2; Megacystis-microcolon-intestinal hypoperistalsis syndrome 2. Last evaluated: 2021-10-21. Review status: criteria provided, single submitter. Criteria: ACMG Guidelines, 2015. Collection method: research. Allele origin: germline.

Ambry Genetics
Classification: Uncertain significance for Familial thoracic aortic aneurysm and aortic dissection. Last evaluated: 2021-03-12. Review status: criteria provided, single submitter. Criteria: Ambry Variant Classification Scheme 2023. Collection method: clinical testing. Allele origin: germline.
Comment: The p.T667M variant (also known as c.2000C>T), located in coding exon 15 of the MYH11 gene, results from a C to T substitution at nucleotide position 2000. The threonine at codon 667 is replaced by methionine, an amino acid with similar properties. This amino acid position is highly conserved in available vertebrate species. In addition, this alteration is predicted to be deleterious by in silico analysis. Since supporting evidence is limited at this time, the clinical significance of this alteration remains unclear.

NM_002474.3(MYH11):c.2000C>T (p.Thr667Met)

Gene: MYH11 (myosin heavy chain 11; minus strand). Cytogenetic location: 16p13.11.
Variant type: single nucleotide variant.
Coding change: c.2000C>T on transcript NM_002474.3 (MANE Select); coding-DNA position 2000, C replaced by T.
Protein change: p.Thr667Met; replaces threonine 667 with methionine.
Molecular consequence: missense variant.
Genome position (GRCh38, 1-based): chr16:15,750,196, G>A on the plus strand (C>T on the coding strand, the complement: MYH11 is on the minus strand). VCF-style: chr16-15750196-G-A. GRCh37 (hg19) VCF-style: chr16-15844053-G-A.
Other names: p.Thr674Met; c.2021C>T, p.Thr674Met (NM_001040113.2, NM_001040114.2); c.2000C>T, p.Thr667Met (NM_022844.3); short protein forms T667M, T674M.
Identifiers: ClinVar variation 263472 (VCV000263472.41), dbSNP rs750066715, ClinGen allele CA7922457.